The following is an entry in ClinVar:

ClinVar aggregate classification (germline): Uncertain significance. Review status: criteria provided, multiple submitters, no conflicts (2 of 4 stars). 2 submissions from 2 submitters: Uncertain significance (2). Last evaluated 2025-08-04.

Conditions:
BBS1-related disorder. Also called: BBS1-related condition.
Bardet-Biedl syndrome (BBS). Identifiers: Orphanet 110, MedGen C0752166, MONDO:0015229.

Allele frequency attached by ClinVar (database versions not stated): gnomAD exomes below 0.00001; gnomAD 0.00001.
gnomAD v4.1: 5 of 1,614,110 alleles (0.00031%); highest among the groups gnomAD compares: Non-Finnish European, 0.00042%; no homozygotes.

Submissions (2):

PreventionGenetics, part of Exact Sciences
Classification: Uncertain significance for BBS1-related condition. Last evaluated: 2025-08-04. Review status: criteria provided, single submitter. Criteria: ACMG Guidelines, 2015. Collection method: clinical testing. Allele origin: germline.
Comment: The BBS1 c.1544T>A variant is predicted to result in the amino acid substitution p.Leu515Gln. To our knowledge, this variant has not been reported in the literature. This variant is reported in 0.0065% of alleles in individuals of European (Non-Finnish) descent in gnomAD. At this time, the clinical significance of this variant is uncertain due to the absence of conclusive functional and genetic evidence.

Labcorp Genetics (formerly Invitae), Labcorp
Classification: Uncertain significance for Bardet-Biedl syndrome. Last evaluated: 2022-08-09. Review status: criteria provided, single submitter. Criteria: Invitae Variant Classification Sherloc (09022015). Collection method: clinical testing. Allele origin: germline.
Comment: Algorithms developed to predict the effect of sequence changes on RNA splicing suggest that this variant may create or strengthen a splice site. Algorithms developed to predict the effect of missense changes on protein structure and function (SIFT, PolyPhen-2, Align-GVGD) all suggest that this variant is likely to be tolerated. In summary, the available evidence is currently insufficient to determine the role of this variant in disease. Therefore, it has been classified as a Variant of Uncertain Significance. This variant has not been reported in the literature in individuals affected with BBS1-related conditions. This variant is present in population databases (no rsID available, gnomAD 0.007%). This sequence change replaces leucine, which is neutral and non-polar, with glutamine, which is neutral and polar, at codon 515 of the BBS1 protein (p.Leu515Gln).

NM_024649.5(BBS1):c.1544T>A (p.Leu515Gln)

Genes: BBS1 (Bardet-Biedl syndrome 1; plus strand), ZDHHC24 (zDHHC palmitoyltransferase 24; minus strand). Cytogenetic location: 11q13.2.
Variant type: single nucleotide variant.
Coding change: c.1544T>A on transcript NM_024649.5 (MANE Select); coding-DNA position 1544, T replaced by A.
Protein change: p.Leu515Gln; replaces leucine 515 with glutamine.
Molecular consequence: missense variant. On other transcripts: intron variant (1).
Genome position (GRCh38, 1-based): chr11:66,530,964, T>A. VCF-style: chr11-66530964-T-A. GRCh37 (hg19) VCF-style: chr11-66298435-T-A.
Other names: c.560-1476A>T (NM_001348571.2); short protein forms L515Q.
Identifiers: ClinVar variation 1954515 (VCV001954515.6), dbSNP rs775698989, ClinGen allele CA381425329.